The following is an entry in ClinVar:

ClinVar aggregate classification (germline): Uncertain significance. Review status: criteria provided, multiple submitters, no conflicts (2 of 4 stars). 2 submissions from 2 submitters: Uncertain significance (2). Last evaluated 2024-02-05.

Conditions:
Hypercholesterolemia, autosomal dominant, 3 (FHCL3). Also called: Familial Hypercholesterolemia, Autosomal Dominant, 3; PCSK9-Related Familial Hypercholesterolemia, Autosomal Dominant; Familial hypercholesterolemia 3. Identifiers: MedGen C1863551, MONDO:0011369, OMIM 603776.
Familial hypercholesterolemia. Also called: Familial hypercholesterolaemia; Familial hypercholesterolemias. Identifiers: MedGen C0020445, MONDO:0005439.

Submissions (2):

All of Us Research Program, National Institutes of Health
Classification: Uncertain significance for Hypercholesterolemia, autosomal dominant, 3. Last evaluated: 2024-02-05. Review status: criteria provided, single submitter. Criteria: ACMG Guidelines, 2015. Collection method: clinical testing. Allele origin: germline. Inheritance: Autosomal dominant inheritance. Observed: 1 variant allele, 1 heterozygote.
Comment: This missense variant replaces proline with serine at codon 331 of the PCSK9 protein. Computational prediction suggests that this variant may not impact protein structure and function (internally defined REVEL score threshold <= 0.5, PMID: 27666373). To our knowledge, functional studies have not been reported for this variant. This variant has not been reported in individuals affected with PCSK9-related disorders in the literature. This variant has not been identified in the general population by the Genome Aggregation Database (gnomAD). The available evidence is insufficient to determine the role of this variant in disease conclusively. Therefore, this variant is classified as a Variant of Uncertain Significance.

This study involves interpretation of variants in research participants for the purpose of population health screening. Participant phenotype was not available at the time of variant classification. Additional details can be found in publication PMID: 35346344, PMCID: PMC8962531

Color Diagnostics, LLC DBA Color Health
Classification: Uncertain significance for Familial hypercholesterolemia. Last evaluated: 2023-11-22. Review status: criteria provided, single submitter. Criteria: ACMG Guidelines, 2015. Collection method: clinical testing. Allele origin: germline.
Comment: This missense variant replaces proline with serine at codon 331 of the PCSK9 protein. Computational prediction suggests that this variant may not impact protein structure and function (internally defined REVEL score threshold <= 0.5, PMID: 27666373). To our knowledge, functional studies have not been reported for this variant. This variant has not been reported in individuals affected with PCSK9-related disorders in the literature. This variant has not been identified in the general population by the Genome Aggregation Database (gnomAD). The available evidence is insufficient to determine the role of this variant in disease conclusively. Therefore, this variant is classified as a Variant of Uncertain Significance.

NM_174936.4(PCSK9):c.991C>T (p.Pro331Ser)

Gene: PCSK9 (proprotein convertase subtilisin/kexin type 9; plus strand). Cytogenetic location: 1p32.3.
Variant type: single nucleotide variant.
Coding change: c.991C>T on transcript NM_174936.4 (MANE Select); coding-DNA position 991, C replaced by T.
Protein change: p.Pro331Ser; replaces proline 331 with serine.
Molecular consequence: missense variant. On other transcripts: non-coding transcript variant (8).
Genome position (GRCh38, 1-based): chr1:55,056,184, C>T. VCF-style: chr1-55056184-C-T. GRCh37 (hg19) VCF-style: chr1-55521857-C-T.
Other names: c.1114C>T, p.Pro372Ser (NM_001407240.1); c.991C>T, p.Pro331Ser (NM_001407241.1, NM_001407244.1, NM_001407247.1); c.994C>T, p.Pro332Ser (NM_001407242.1); c.934C>T, p.Pro312Ser (NM_001407243.1); c.799C>T, p.Pro267Ser (NM_001407245.1); c.616C>T, p.Pro206Ser (NM_001407246.1); short protein forms P206S, P267S, P312S, P331S, P332S, P372S.
Identifiers: ClinVar variation 3075394 (VCV003075394.2), dbSNP rs1644712856, ClinGen allele CA340475286.